The following is an entry in ClinVar:

ClinVar aggregate classification (germline): Uncertain significance. Review status: criteria provided, multiple submitters, no conflicts (2 of 4 stars). 3 submissions from 3 submitters: Uncertain significance (3). Last evaluated 2025-12-29.

Conditions:
Colorectal cancer, hereditary nonpolyposis, type 7. Identifiers: Orphanet 144, MedGen C1858380, MONDO:0013725, OMIM 614385.

Allele frequency attached by ClinVar (database versions not stated): gnomAD exomes below 0.00001; ExAC 0.00001.
gnomAD v4.1: 3 of 1,613,994 alleles (0.00019%); highest among the groups gnomAD compares: Non-Finnish European, 0.00017%; no homozygotes.

Submissions (3):

Center for Genomic Medicine, Rigshospitalet, Copenhagen University Hospital
Classification: Uncertain significance. Last evaluated: 2025-12-29. Review status: criteria provided, single submitter. Criteria: ACMG Guidelines, 2015. Collection method: clinical testing. Allele origin: germline.

Labcorp Genetics (formerly Invitae), Labcorp
Classification: Uncertain significance for Colorectal cancer, hereditary nonpolyposis, type 7. Last evaluated: 2024-01-20. Review status: criteria provided, single submitter. Criteria: Invitae Variant Classification Sherloc (09022015). Collection method: clinical testing. Allele origin: germline.
Comment: This sequence change replaces serine, which is neutral and polar, with isoleucine, which is neutral and non-polar, at codon 495 of the MLH3 protein (p.Ser495Ile). This variant is present in population databases (rs748359214, gnomAD 0.002%). This variant has not been reported in the literature in individuals affected with MLH3-related conditions. ClinVar contains an entry for this variant (Variation ID: 1773641). An algorithm developed to predict the effect of missense changes on protein structure and function (PolyPhen-2) suggests that this variant is likely to be tolerated. In summary, the available evidence is currently insufficient to determine the role of this variant in disease. Therefore, it has been classified as a Variant of Uncertain Significance.

Ambry Genetics
Classification: Uncertain significance. Last evaluated: 2024-01-17. Review status: criteria provided, single submitter. Criteria: Ambry Variant Classification Scheme 2023. Collection method: clinical testing. Allele origin: germline.
Comment: The p.S495I variant (also known as c.1484G>T), located in coding exon 1 of the MLH3 gene, results from a G to T substitution at nucleotide position 1484. The serine at codon 495 is replaced by isoleucine, an amino acid with dissimilar properties. This amino acid position is conserved. In addition, this alteration is predicted to be tolerated by in silico analysis. Since supporting evidence is limited at this time, the clinical significance of this alteration remains unclear.

NM_001040108.2(MLH3):c.1484G>T (p.Ser495Ile)

Gene: MLH3 (mutL homolog 3; minus strand). Cytogenetic location: 14q24.3.
Variant type: single nucleotide variant.
Coding change: c.1484G>T on transcript NM_001040108.2 (MANE Select); coding-DNA position 1484, G replaced by T.
Protein change: p.Ser495Ile; replaces serine 495 with isoleucine.
Molecular consequence: missense variant.
Genome position (GRCh38, 1-based): chr14:75,048,172, C>A on the plus strand (G>T on the coding strand, the complement: MLH3 is on the minus strand). VCF-style: chr14-75048172-C-A. GRCh37 (hg19) VCF-style: chr14-75514875-C-A.
Other names: c.1484G>T, p.Ser495Ile (NM_014381.3); short protein forms S495I.
Identifiers: ClinVar variation 1773641 (VCV001773641.8), dbSNP rs748359214, ClinGen allele CA7275863.